The following is an entry in ClinVar:

NM_001099293.3(KIF4B):c.545T>C (p.Leu182Ser)

Gene: KIF4B (kinesin family member 4B; plus strand). Cytogenetic location: 5q33.2.
Variant type: single nucleotide variant.
Coding change: c.545T>C on transcript NM_001099293.3 (MANE Select); coding-DNA position 545, T replaced by C.
Protein change: p.Leu182Ser; replaces leucine 182 with serine.
Molecular consequence: missense variant.
Genome position (GRCh38, 1-based): chr5:155,014,404, T>C. VCF-style: chr5-155014404-T-C. GRCh37 (hg19) VCF-style: chr5-154393964-T-C.
Other names: short protein forms L182S.
Identifiers: ClinVar variation 2629941 (VCV002629941.1), dbSNP rs2481221374, ClinGen allele CA361927842.

ClinVar aggregate classification (germline): Uncertain significance (1 of 4 stars; one submission).

Conditions:
KIF4B-related disorder. Also called: KIF4B-related condition.

Submission:

PreventionGenetics, part of Exact Sciences
Classification: Uncertain significance for KIF4B-related condition. Last evaluated: 2023-01-22. Review status: criteria provided, single submitter. Criteria: ACMG Guidelines, 2015. Collection method: clinical testing. Allele origin: germline.
Comment: The KIF4B c.545T>C variant is predicted to result in the amino acid substitution p.Leu182Ser. To our knowledge, this variant has not been reported in the literature or in a large population database, indicating this variant is rare. At this time, the clinical significance of this variant is uncertain due to the absence of conclusive functional and genetic evidence.